The following is an entry in ClinVar:

ClinVar aggregate classification (germline): Uncertain significance (1 of 4 stars; one submission).

Allele frequency attached by ClinVar (database versions not stated): 1000 Genomes Project 30x 0.00016; 1000 Genomes Project 0.00020.
gnomAD v4.1: 57 of 1,597,258 alleles (0.0036%); highest among the groups gnomAD compares: African/African-American, 0.02%; no homozygotes.

Submission:

Labcorp Genetics (formerly Invitae), Labcorp
Classification: Uncertain significance. Last evaluated: 2025-09-08. Review status: criteria provided, single submitter. Criteria: Invitae Variant Classification Sherloc (09022015). Collection method: clinical testing. Allele origin: germline.
Comment: This sequence change replaces alanine, which is neutral and non-polar, with valine, which is neutral and non-polar, at codon 2 of the AXL protein (p.Ala2Val). This variant is present in population databases (rs10411373, gnomAD 0.04%). This missense change has been observed in individual(s) with AXL-related conditions (PMID: 36268624). ClinVar contains an entry for this variant (Variation ID: 2720674). An algorithm developed to predict the effect of missense changes on protein structure and function outputs the following: PolyPhen-2: "Benign". The valine amino acid residue is found in multiple mammalian species, which suggests that this missense change does not adversely affect protein function. In summary, the available evidence is currently insufficient to determine the role of this variant in disease. Therefore, it has been classified as a Variant of Uncertain Significance.

Literature cited by the submitters: PubMed 36268624.

NM_021913.5(AXL):c.5C>T (p.Ala2Val)

Gene: AXL (AXL receptor tyrosine kinase; plus strand). Cytogenetic location: 19q13.2.
Variant type: single nucleotide variant.
Coding change: c.5C>T on transcript NM_021913.5 (MANE Select); coding-DNA position 5, C replaced by T.
Protein change: p.Ala2Val; replaces alanine 2 with valine.
Molecular consequence: missense variant.
Genome position (GRCh38, 1-based): chr19:41,219,397, C>T. VCF-style: chr19-41219397-C-T. GRCh37 (hg19) VCF-style: chr19-41725302-C-T.
Other names: c.5C>T, p.Ala2Val (NM_001699.6); short protein forms A2V.
Identifiers: ClinVar variation 2720674 (VCV002720674.3), dbSNP rs10411373, ClinGen allele CA9457810.